The following is an entry in ClinVar:

NM_005120.3(MED12):c.5423G>A (p.Arg1808Gln)

Gene: MED12 (mediator complex subunit 12; plus strand). Cytogenetic location: Xq13.1.
Variant type: single nucleotide variant.
Coding change: c.5423G>A on transcript NM_005120.3 (MANE Select); coding-DNA position 5423, G replaced by A.
Protein change: p.Arg1808Gln; replaces arginine 1808 with glutamine.
Molecular consequence: missense variant.
Genome position (GRCh38, 1-based): chrX:71,136,901, G>A. VCF-style: chrX-71136901-G-A. GRCh37 (hg19) VCF-style: chrX-70356751-G-A.
Other names: short protein forms R1808Q.
Identifiers: ClinVar variation 656742 (VCV000656742.9), dbSNP rs1432487094, ClinGen allele CA413535484.

ClinVar aggregate classification (germline): Uncertain significance (1 of 4 stars; one submission).

Conditions:
FG syndrome (FGS). Identifiers: MedGen C0220769, MONDO:0002010.

Allele frequency attached by ClinVar (database versions not stated): gnomAD exomes 0.00001.
gnomAD v4.1: 6 of 1,210,905 alleles (0.0005%); highest among the groups gnomAD compares: East Asian, 0.003%; no homozygotes.

Submission:

Labcorp Genetics (formerly Invitae), Labcorp
Classification: Uncertain significance for FG syndrome. Last evaluated: 2018-12-22. Review status: criteria provided, single submitter. Criteria: Invitae Variant Classification Sherloc (09022015). Collection method: clinical testing. Allele origin: germline.
Comment: This sequence change replaces arginine with glutamine at codon 1808 of the MED12 protein (p.Arg1808Gln). The arginine residue is highly conserved and there is a small physicochemical difference between arginine and glutamine. This variant is not present in population databases (ExAC no frequency). This variant has not been reported in the literature in individuals with MED12-related conditions. Algorithms developed to predict the effect of missense changes on protein structure and function (SIFT, PolyPhen-2, Align-GVGD) all suggest that this variant is likely to be tolerated, but these predictions have not been confirmed by published functional studies and their clinical significance is uncertain. Algorithms developed to predict the effect of sequence changes on RNA splicing suggest that this variant may create or strengthen a splice site, but this prediction has not been confirmed by published transcriptional studies. In summary, the available evidence is currently insufficient to determine the role of this variant in disease. Therefore, it has been classified as a Variant of Uncertain Significance.